The following is an entry in ClinVar:

ClinVar aggregate classification (germline): Benign. Review status: criteria provided, single submitter (1 of 4 stars). 2 submissions from 2 submitters: Benign (1). 1 of the submissions does not count toward it. Last evaluated 2026-08-07.

Conditions:
POLQ-related disorder. Also called: POLQ-related condition.
Familial cancer of breast. Also called: hereditary breast carcinoma; BREAST CANCER, FAMILIAL; Hereditary breast cancer. Identifiers: Orphanet 227535, MedGen C0346153, MONDO:0016419, OMIM 114480. Disease mechanism: loss of function.

Allele frequency attached by ClinVar (database versions not stated): ESP Exome Variant Server 0.98862; gnomAD 0.98932; gnomAD exomes 0.99898; 1000 Genomes Project 30x 0.98626; 1000 Genomes Project 0.98862; TOPMed 0.98799; ExAC 0.99643.
gnomAD v4.1: 1,607,323 of 1,610,492 alleles (100%); highest among the groups gnomAD compares: East Asian, 100%; 802,129 homozygotes.

Submissions (2):

Genomic Medicine Laboratory, Hospital de Clinicas de Porto Alegre
Classification: Benign for Familial cancer of breast. Last evaluated: 2026-08-07. Review status: criteria provided, single submitter. Criteria: ACGS UK Practice Guidelines For Variant Classification V12 2024. Collection method: research. Allele origin: germline. Affected: yes. Observed: 32 variant alleles.
Comment: BA1: Allele frequency is above 5%

PreventionGenetics, part of Exact Sciences
Classification: Benign for POLQ-related condition. Last evaluated: 2019-11-20. Review status: no assertion criteria provided. Collection method: clinical testing. Allele origin: germline. Not counted in ClinVar's aggregate classification.
Comment: This variant is classified as benign based on ACMG/AMP sequence variant interpretation guidelines (Richards et al. 2015 PMID: 25741868, with internal and published modifications).

NM_199420.4(POLQ):c.197G>T (p.Arg66Ile)

Gene: POLQ (DNA polymerase theta; minus strand). Cytogenetic location: 3q13.33.
Variant type: single nucleotide variant.
Coding change: c.197G>T on transcript NM_199420.4 (MANE Select); coding-DNA position 197, G replaced by T.
Protein change: p.Arg66Ile; replaces arginine 66 with isoleucine.
Molecular consequence: missense variant.
Genome position (GRCh38, 1-based): chr3:121,544,873, C>A on the plus strand (G>T on the coding strand, the complement: POLQ is on the minus strand). VCF-style: chr3-121544873-C-A. GRCh37 (hg19) VCF-style: chr3-121263720-C-A.
Other names: short protein forms R66I.
Identifiers: ClinVar variation 3060758 (VCV003060758.3), dbSNP rs702017, ClinGen allele CA2563884.
Genomic context (GRCh38, chr3:121,544,873, plus strand): 5'-CTGTGGTATTTTTCCAGAACTGCTTTAGGAAGTCCCCAGTTTGCCAATAGTAGCTTGTCT[C>A]TTTCGTAGTCAGGAACTGTAGGCTTGCATTCTCCTTTTAGGAAAAAGAAAAAATTAAAAT-3'
Protein context (NP_955452.3, residues 56-76): ECKPTVPDYE[Arg66Ile]DKLLLANWGL